The following is an entry in ClinVar:

NM_001142633.3(PIK3R5):c.1548G>A (p.Thr516=)

Gene: PIK3R5 (phosphoinositide-3-kinase regulatory subunit 5; minus strand). Cytogenetic location: 17p13.1.
Variant type: single nucleotide variant.
Coding change: c.1548G>A on transcript NM_001142633.3 (MANE Select); coding-DNA position 1548, G replaced by A.
Protein change: p.Thr516=; no amino-acid change (threonine 516 retained).
Molecular consequence: synonymous variant.
Genome position (GRCh38, 1-based): chr17:8,888,239, C>T on the plus strand (G>A on the coding strand, the complement: PIK3R5 is on the minus strand). VCF-style: chr17-8888239-C-T. GRCh37 (hg19) VCF-style: chr17-8791556-C-T.
Other names: c.390G>A, p.Thr130= (NM_001251851.2, NM_001251852.2, NM_001251853.2 and 5 more transcripts); c.1548G>A, p.Thr516= (NM_001388396.1, NM_014308.4).
Identifiers: ClinVar variation 2647461 (VCV002647461.24), dbSNP rs780537367, ClinGen allele CA8380523.
Genomic context (GRCh38, chr17:8,888,239, plus strand): 5'-GCTGTACGCCCGAGCCACCTTCCCTGAAATCCGATCGGAGCCAAAGACCACAACACGTAG[C>T]GTGGAAGCCTTGGGATCCTCATCTCCACTCAGGAAGGGGCGGCGGCGCTGGGGGCGTGAA-3'
Protein context (NP_001136105.1, residues 506-526): LSGDEDPKAS[Thr516=]LRVVVFGSDR

ClinVar aggregate classification (germline): Likely benign (1 of 4 stars; one submission).

Allele frequency attached by ClinVar (database versions not stated): TOPMed below 0.00001; gnomAD 0.00001; ExAC 0.00002.
gnomAD v4.1: 9 of 1,613,338 alleles (0.00056%); highest among the groups gnomAD compares: East Asian, 0.0022%; no homozygotes.

Submission:

CeGaT Center for Human Genetics Tuebingen
Classification: Likely benign. Last evaluated: 2022-03-01. Review status: criteria provided, single submitter. Criteria: CeGaT Center For Human Genetics Tuebingen Variant Classification Criteria Version 2. Collection method: clinical testing. Allele origin: germline. Affected: yes. Observed: 1 variant allele.
Comment: PIK3R5: BP4, BP7